The following is an entry in ClinVar:

NM_007186.6(CEP250):c.1691C>A (p.Thr564Lys)

Genes: CEP250 (centrosomal protein 250; plus strand), CEP250-AS1 (CEP250 antisense RNA 1; minus strand). Cytogenetic location: 20q11.22.
Variant type: single nucleotide variant.
Coding change: c.1691C>A on transcript NM_007186.6 (MANE Select); coding-DNA position 1691, C replaced by A.
Protein change: p.Thr564Lys; replaces threonine 564 with lysine.
Molecular consequence: missense variant. On other transcripts: 5 prime UTR variant (1).
Genome position (GRCh38, 1-based): chr20:35,475,621, C>A. VCF-style: chr20-35475621-C-A. GRCh37 (hg19) VCF-style: chr20-34063446-C-A.
Other names: c.-209C>A (NM_001318219.1); c.1691C>A (NM_007186.3); short protein forms T564K.
Identifiers: ClinVar variation 1914674 (VCV001914674.3), dbSNP rs757589095, ClinGen allele CA9832986.

ClinVar aggregate classification (germline): Uncertain significance. Review status: criteria provided, multiple submitters, no conflicts (2 of 4 stars). 2 submissions from 2 submitters: Uncertain significance (2). Last evaluated 2025-02-18.

Submissions (2):

Ambry Genetics
Classification: Uncertain significance. Last evaluated: 2025-02-18. Review status: criteria provided, single submitter. Criteria: Ambry Variant Classification Scheme 2023. Collection method: clinical testing. Allele origin: germline.

Labcorp Genetics (formerly Invitae), Labcorp
Classification: Uncertain significance. Last evaluated: 2022-07-30. Review status: criteria provided, single submitter. Criteria: Invitae Variant Classification Sherloc (09022015). Collection method: clinical testing. Allele origin: germline.
Comment: This sequence change replaces threonine, which is neutral and polar, with lysine, which is basic and polar, at codon 564 of the CEP250 protein (p.Thr564Lys). This variant is present in population databases (rs757589095, gnomAD 0.03%). This variant has not been reported in the literature in individuals affected with CEP250-related conditions. Algorithms developed to predict the effect of missense changes on protein structure and function output the following: SIFT: "Not Available"; PolyPhen-2: "Possibly Damaging"; Align-GVGD: "Not Available". The lysine amino acid residue is found in multiple mammalian species, which suggests that this missense change does not adversely affect protein function. In summary, the available evidence is currently insufficient to determine the role of this variant in disease. Therefore, it has been classified as a Variant of Uncertain Significance.